The following is an entry in ClinVar:

ClinVar aggregate classification (germline): Uncertain significance. Review status: criteria provided, multiple submitters, no conflicts (2 of 4 stars). 3 submissions from 3 submitters: Uncertain significance (3). Last evaluated 2025-06-12.

Conditions:
Inborn genetic diseases. Identifiers: MedGen C0950123, MeSH D030342.

Allele frequency attached by ClinVar (database versions not stated): ExAC 0.00002; gnomAD 0.00002; TOPMed 0.00003.
gnomAD v4.1: 16 of 1,613,806 alleles (0.00099%); highest among the groups gnomAD compares: African/African-American, 0.0067%; no homozygotes.

Submissions (3):

Ambry Genetics
Classification: Uncertain significance for Inborn genetic diseases. Last evaluated: 2025-06-12. Review status: criteria provided, single submitter. Criteria: Ambry Variant Classification Scheme 2023. Collection method: clinical testing. Allele origin: germline.

Labcorp Genetics (formerly Invitae), Labcorp
Classification: Uncertain significance. Last evaluated: 2024-07-08. Review status: criteria provided, single submitter. Criteria: Invitae Variant Classification Sherloc (09022015). Collection method: clinical testing. Allele origin: germline.
Comment: This sequence change replaces alanine, which is neutral and non-polar, with threonine, which is neutral and polar, at codon 95 of the C2CD3 protein (p.Ala95Thr). This variant is present in population databases (rs756745599, gnomAD 0.01%). This variant has not been reported in the literature in individuals affected with C2CD3-related conditions. ClinVar contains an entry for this variant (Variation ID: 444265). Advanced modeling of protein sequence and biophysical properties (such as structural, functional, and spatial information, amino acid conservation, physicochemical variation, residue mobility, and thermodynamic stability) performed at Invitae indicates that this missense variant is expected to disrupt C2CD3 protein function with a positive predictive value of 80%. In summary, the available evidence is currently insufficient to determine the role of this variant in disease. Therefore, it has been classified as a Variant of Uncertain Significance.

CeGaT Center for Human Genetics Tuebingen
Classification: Uncertain significance. Last evaluated: 2017-06-01. Review status: criteria provided, single submitter. Criteria: CeGaT Center For Human Genetics Tuebingen Variant Classification Criteria Version 2. Collection method: clinical testing. Allele origin: germline. Affected: yes. Observed: 1 variant allele.

NM_001286577.2(C2CD3):c.283G>A (p.Ala95Thr)

Gene: C2CD3 (C2 domain containing 3 centriole elongation regulator; minus strand). Cytogenetic location: 11q13.4.
Variant type: single nucleotide variant.
Coding change: c.283G>A on transcript NM_001286577.2 (MANE Select); coding-DNA position 283, G replaced by A.
Protein change: p.Ala95Thr; replaces alanine 95 with threonine.
Molecular consequence: missense variant.
Genome position (GRCh38, 1-based): chr11:74,168,386, C>T on the plus strand (G>A on the coding strand, the complement: C2CD3 is on the minus strand). VCF-style: chr11-74168386-C-T. GRCh37 (hg19) VCF-style: chr11-73879431-C-T.
Other names: c.283G>A (NM_015531.4); c.283G>A, p.Ala95Thr (NM_015531.6); short protein forms A95T.
Identifiers: ClinVar variation 444265 (VCV000444265.45), dbSNP rs756745599, ClinGen allele CA6183276.